The following is an entry in ClinVar:

ClinVar aggregate classification (germline): Uncertain significance (1 of 4 stars; one submission).

Conditions:
Congenital myopathy with internal nuclei and atypical cores. Also called: Myopathy, centronuclear, 4. Identifiers: Orphanet 319160, MedGen C4707232, MONDO:0013890, OMIM 614807.

Submission:

Labcorp Genetics (formerly Invitae), Labcorp
Classification: Uncertain significance for Congenital myopathy with internal nuclei and atypical cores. Last evaluated: 2023-03-30. Review status: criteria provided, single submitter. Criteria: Invitae Variant Classification Sherloc (09022015). Collection method: clinical testing. Allele origin: germline.
Comment: In summary, the available evidence is currently insufficient to determine the role of this variant in disease. Therefore, it has been classified as a Variant of Uncertain Significance. Advanced modeling of protein sequence and biophysical properties (such as structural, functional, and spatial information, amino acid conservation, physicochemical variation, residue mobility, and thermodynamic stability) performed at Invitae indicates that this missense variant is not expected to disrupt CCDC78 protein function. This variant has not been reported in the literature in individuals affected with CCDC78-related conditions. This variant is not present in population databases (gnomAD no frequency). This sequence change replaces serine, which is neutral and polar, with arginine, which is basic and polar, at codon 95 of the CCDC78 protein (p.Ser95Arg).

NM_001378030.1(CCDC78):c.285C>G (p.Ser95Arg)

Gene: CCDC78 (coiled-coil domain containing 78; minus strand). Cytogenetic location: 16p13.3.
Variant type: single nucleotide variant.
Coding change: c.285C>G on transcript NM_001378030.1 (MANE Select); coding-DNA position 285, C replaced by G.
Protein change: p.Ser95Arg; replaces serine 95 with arginine.
Molecular consequence: missense variant. On other transcripts: non-coding transcript variant (5), intron variant (1).
Genome position (GRCh38, 1-based): chr16:725,563, G>C on the plus strand (C>G on the coding strand, the complement: CCDC78 is on the minus strand). VCF-style: chr16-725563-G-C. GRCh37 (hg19) VCF-style: chr16-775563-G-C.
Other names: c.285C>G, p.Ser95Arg (NM_001031737.3, NM_001378031.1); c.-19+231C>G (NM_001378033.1); short protein forms S95R.
Identifiers: ClinVar variation 2851044 (VCV002851044.3), dbSNP rs2040817293, ClinGen allele CA394103989.
Genomic context (GRCh38, chr16:725,563, plus strand): 5'-CACTGGGACTGCACAGCCCTGGCTGGTGCCATCTCCTCGCAGCTCCAGCTCCAGTACCCG[G>C]CTCTCCAGCCGAAGGATCTGTGGGACAACTGGCATGAGCAGGTGCACCTGCCCGCGGGCC-3'
Protein context (NP_001364959.1, residues 85-105): QLKSEILRLE[Ser95Arg]RVLELELRGD